The following is an entry in ClinVar:

ClinVar aggregate classification (germline): Uncertain significance (1 of 4 stars; one submission).

Conditions:
Immunodeficiency, common variable, 10. Also called: IMMUNODEFICIENCY, COMMON VARIABLE, WITH CENTRAL ADRENAL INSUFFICIENCY; DEFICIT IN ANTERIOR PITUITARY FUNCTION AND VARIABLE IMMUNODEFICIENCY. Identifiers: MedGen C3809991, MONDO:0014260, OMIM 615577.

gnomAD v4.1: 2 of 1,613,784 alleles (0.00012%); highest among the groups gnomAD compares: Non-Finnish European, 0.00017%; no homozygotes.

Submission:

Labcorp Genetics (formerly Invitae), Labcorp
Classification: Uncertain significance for Immunodeficiency, common variable, 10. Last evaluated: 2024-10-16. Review status: criteria provided, single submitter. Criteria: Invitae Variant Classification Sherloc (09022015). Collection method: clinical testing. Allele origin: germline.
Comment: This sequence change replaces arginine, which is basic and polar, with tryptophan, which is neutral and slightly polar, at codon 558 of the NFKB2 protein (p.Arg558Trp). This variant is not present in population databases (gnomAD no frequency). This variant has not been reported in the literature in individuals affected with NFKB2-related conditions. ClinVar contains an entry for this variant (Variation ID: 2006968). An algorithm developed to predict the effect of missense changes on protein structure and function (PolyPhen-2) suggests that this variant is likely to be disruptive. In summary, the available evidence is currently insufficient to determine the role of this variant in disease. Therefore, it has been classified as a Variant of Uncertain Significance.

NM_001322934.2(NFKB2):c.1672C>T (p.Arg558Trp)

Gene: NFKB2 (nuclear factor kappa B subunit 2; plus strand). Cytogenetic location: 10q24.32.
Variant type: single nucleotide variant.
Coding change: c.1672C>T on transcript NM_001322934.2 (MANE Select); coding-DNA position 1672, C replaced by T.
Protein change: p.Arg558Trp; replaces arginine 558 with tryptophan.
Molecular consequence: missense variant.
Genome position (GRCh38, 1-based): chr10:102,400,365, C>T. VCF-style: chr10-102400365-C-T. GRCh37 (hg19) VCF-style: chr10-104160122-C-T.
Other names: c.1672C>T, p.Arg558Trp (NM_001077493.1, NM_001077494.3, NM_001261403.3 and 2 more transcripts); c.1546C>T, p.Arg516Trp (NM_001322935.1); short protein forms R516W, R558W.
Identifiers: ClinVar variation 2006968 (VCV002006968.4), dbSNP rs749409186, ClinGen allele CA377901812.